The following is an entry in ClinVar:

ClinVar aggregate classification (germline): Uncertain significance (1 of 4 stars; one submission).

Allele frequency attached by ClinVar (database versions not stated): gnomAD exomes below 0.00001.
gnomAD v4.1: 1 of 1,614,028 alleles (0.000062%); highest among the groups gnomAD compares: Non-Finnish European, 0.000085%; no homozygotes.

Submission:

Labcorp Genetics (formerly Invitae), Labcorp
Classification: Uncertain significance. Last evaluated: 2023-10-13. Review status: criteria provided, single submitter. Criteria: Invitae Variant Classification Sherloc (09022015). Collection method: clinical testing. Allele origin: germline.
Comment: This sequence change replaces alanine, which is neutral and non-polar, with glycine, which is neutral and non-polar, at codon 124 of the NUP62 protein (p.Ala124Gly). This variant is not present in population databases (gnomAD no frequency). This variant has not been reported in the literature in individuals affected with NUP62-related conditions. An algorithm developed to predict the effect of missense changes on protein structure and function (PolyPhen-2) suggests that this variant is likely to be disruptive. In summary, the available evidence is currently insufficient to determine the role of this variant in disease. Therefore, it has been classified as a Variant of Uncertain Significance.

NM_016553.5(NUP62):c.371C>G (p.Ala124Gly)

Genes: IL4I1 (interleukin 4 induced 1; minus strand), NUP62 (nucleoporin 62; minus strand). Cytogenetic location: 19q13.33.
Variant type: single nucleotide variant.
Coding change: c.371C>G on transcript NM_016553.5 (MANE Select); coding-DNA position 371, C replaced by G.
Protein change: p.Ala124Gly; replaces alanine 124 with glycine.
Molecular consequence: missense variant. On other transcripts: intron variant (3).
Genome position (GRCh38, 1-based): chr19:49,909,437, G>C on the plus strand (C>G on the coding strand, the complement: NUP62 is on the minus strand). VCF-style: chr19-49909437-G-C. GRCh37 (hg19) VCF-style: chr19-50412694-G-C.
Other names: c.371C>G, p.Ala124Gly (NM_001193357.2, NM_012346.5, NM_153718.4 and 1 more transcripts); c.-227-5116C>G (NM_001258017.2, NM_172374.3); c.-285-5116C>G (NM_001258018.2); short protein forms A124G.
Identifiers: ClinVar variation 2878030 (VCV002878030.3), dbSNP rs2075404881, ClinGen allele CA406927534.
Genomic context (GRCh38, chr19:49,909,437, plus strand): 5'-GGGCCAAACACAAAGCCGGTGGGTGCTGTGCCCTGGCTGGAGGTGACGGTGCTCGATATG[G>C]CATTAGTGAGGTTGCTGCTGCCCAGCCCAAAGCCGCTGGGGTTTGCCATGGCTGGGGTGG-3'
Protein context (NP_057637.2, residues 114-134): FGLGSSNLTN[Ala124Gly]ISSTVTSSQG